The following is an entry in ClinVar:

ClinVar aggregate classification (germline): Uncertain significance (1 of 4 stars; one submission).

Conditions:
Epidermodysplasia verruciformis. Identifiers: Orphanet 302, MedGen C0014522, MONDO:0009176.

Allele frequency attached by ClinVar (database versions not stated): gnomAD exomes below 0.00001.
gnomAD v4.1: 1 of 1,613,796 alleles (0.000062%); highest among the groups gnomAD compares: Non-Finnish European, 0.000085%; no homozygotes.

Submission:

Labcorp Genetics (formerly Invitae), Labcorp
Classification: Uncertain significance for Epidermodysplasia verruciformis. Last evaluated: 2022-05-29. Review status: criteria provided, single submitter. Criteria: Invitae Variant Classification Sherloc (09022015). Collection method: clinical testing. Allele origin: germline.
Comment: This sequence change replaces threonine, which is neutral and polar, with alanine, which is neutral and non-polar, at codon 373 of the TMC8 protein (p.Thr373Ala). This variant is present in population databases (no rsID available, gnomAD 0.0009%). This variant has not been reported in the literature in individuals affected with TMC8-related conditions. Algorithms developed to predict the effect of missense changes on protein structure and function output the following: SIFT: "Tolerated"; PolyPhen-2: "Benign"; Align-GVGD: "Class C0". The alanine amino acid residue is found in multiple mammalian species, which suggests that this missense change does not adversely affect protein function. In summary, the available evidence is currently insufficient to determine the role of this variant in disease. Therefore, it has been classified as a Variant of Uncertain Significance.

NM_152468.5(TMC8):c.1117A>G (p.Thr373Ala)

Gene: TMC8 (transmembrane channel like 8; plus strand). Cytogenetic location: 17q25.3.
Variant type: single nucleotide variant.
Coding change: c.1117A>G on transcript NM_152468.5 (MANE Select); coding-DNA position 1117, A replaced by G.
Protein change: p.Thr373Ala; replaces threonine 373 with alanine.
Molecular consequence: missense variant.
Genome position (GRCh38, 1-based): chr17:78,134,999, A>G. VCF-style: chr17-78134999-A-G. GRCh37 (hg19) VCF-style: chr17-76131080-A-G.
Other names: short protein forms T373A.
Identifiers: ClinVar variation 2000714 (VCV002000714.4), dbSNP rs1444068598, ClinGen allele CA401246418.